The following is an entry in ClinVar:

Conditions:
Arteriohepatic dysplasia. Also called: Alagille Syndrome. Identifiers: Orphanet 52, MedGen C0085280, MeSH D016738, MONDO:0007318.

Submission:

Gilbert/Spinner Lab, Children's Hospital of Philadelphia
No classification provided (evidence only). Condition: Alagille syndrome. Review status: no classification provided. Collection method: research. Allele origin: not applicable. Functional consequence: functionally_abnormal.
ClinVar note: "not provided" was previously submitted as the classification for the variant. However, the classification appeared to be based only on an observation of functional data so it was converted to no classification on 2025-07-30.

NM_000214.3(JAG1):c.528T>C (p.Val176=)

Gene: JAG1 (jagged canonical Notch ligand 1; minus strand). Cytogenetic location: 20p12.2.
Variant type: single nucleotide variant.
Coding change: c.528T>C on transcript NM_000214.3 (MANE Select); coding-DNA position 528, T replaced by C.
Protein change: p.Val176=; no amino-acid change (valine 176 retained).
Molecular consequence: synonymous variant.
Genome position (GRCh38, 1-based): chr20:10,658,634, A>G on the plus strand (T>C on the coding strand, the complement: JAG1 is on the minus strand). VCF-style: chr20-10658634-A-G. GRCh37 (hg19) VCF-style: chr20-10639282-A-G.
Identifiers: ClinVar variation 3573323 (VCV003573323.2).